The following is an entry in ClinVar:

NM_006245.4(PPP2R5D):c.1231G>C (p.Val411Leu)

Gene: PPP2R5D (protein phosphatase 2 regulatory subunit B'delta; plus strand). Cytogenetic location: 6p21.1.
Variant type: single nucleotide variant.
Coding change: c.1231G>C on transcript NM_006245.4 (MANE Select); coding-DNA position 1231, G replaced by C.
Protein change: p.Val411Leu; replaces valine 411 with leucine.
Molecular consequence: missense variant.
Genome position (GRCh38, 1-based): chr6:43,009,207, G>C. VCF-style: chr6-43009207-G-C. GRCh37 (hg19) VCF-style: chr6-42976945-G-C.
Other names: c.778G>C, p.Val260Leu (NM_001270476.2); c.1135G>C, p.Val379Leu (NM_180976.3); c.913G>C, p.Val305Leu (NM_180977.3); short protein forms V260L, V379L, V305L, V411L.
Identifiers: ClinVar variation 4722245 (VCV004722245.1).

ClinVar aggregate classification (germline): Uncertain significance (1 of 4 stars; one submission).

Submission:

Labcorp Genetics (formerly Invitae), Labcorp
Classification: Uncertain significance. Last evaluated: 2025-06-27. Review status: criteria provided, single submitter. Criteria: Invitae Variant Classification Sherloc (09022015). Collection method: clinical testing. Allele origin: germline.
Comment: This sequence change replaces valine, which is neutral and non-polar, with leucine, which is neutral and non-polar, at codon 411 of the PPP2R5D protein (p.Val411Leu). This variant is not present in population databases (gnomAD no frequency). This variant has not been reported in the literature in individuals affected with PPP2R5D-related conditions. An algorithm developed to predict the effect of missense changes on protein structure and function (PolyPhen-2) suggests that this variant is likely to be tolerated. In summary, the available evidence is currently insufficient to determine the role of this variant in disease. Therefore, it has been classified as a Variant of Uncertain Significance.